The following is an entry in ClinVar:

NM_173348.2(FAM149B1):c.2T>G (p.Met1Arg)

Gene: FAM149B1 (family with sequence similarity 149 member B1; plus strand). Cytogenetic location: 10q22.2.
Variant type: single nucleotide variant.
Coding change: c.2T>G on transcript NM_173348.2 (MANE Select); coding-DNA position 2, T replaced by G.
Protein change: p.Met1Arg; changes the start codon (methionine 1).
Molecular consequence: missense variant, initiator codon variant.
Genome position (GRCh38, 1-based): chr10:73,168,341, T>G. VCF-style: chr10-73168341-T-G. GRCh37 (hg19) VCF-style: chr10-74928099-T-G.
Other names: short protein forms M1R.
Identifiers: ClinVar variation 3148839 (VCV003148839.2), dbSNP rs569932117, ClinGen allele CA5552802.
Genomic context (GRCh38, chr10:73,168,341, plus strand): 5'-CCCTGGCGTGCCTGCCCCGGCCGCGGCTGAGGAGGAGGAGGAGGAGGAGGAGGAGGAGGA[T>G]GATCTCCAGATACACTCGGAAGGCGGTGCCACAGAGCTTGGAGCTGTGAGTGGACTGCTC-3'
Protein context (NP_775483.1, residues 1-11): [Met1Arg]ISRYTRKAVP

ClinVar aggregate classification (germline): Uncertain significance. Review status: criteria provided, multiple submitters, no conflicts (2 of 4 stars). 2 submissions from 2 submitters: Uncertain significance (2). Last evaluated 2024-07-08.

Conditions:
Joubert syndrome 36 (JBTS36). Identifiers: MedGen C5231493, MONDO:0032902, OMIM 618763.

Allele frequency attached by ClinVar (database versions not stated): 1000 Genomes Project 30x 0.00062; ExAC 0.00062; TOPMed 0.00071; gnomAD 0.00080; 1000 Genomes Project 0.00280.

Submissions (2):

Women's Health and Genetics/Laboratory Corporation of America, LabCorp
Classification: Uncertain significance. Last evaluated: 2024-07-08. Review status: criteria provided, single submitter. Criteria: LabCorp Variant Classification Summary - May 2015. Collection method: clinical testing. Allele origin: germline.
Comment: Variant summary: FAM149B1 c.2T>G (p.Met1Arg) alters the initiation codon and is predicted to result either in absence of the protein or truncation of the encoded protein due to translation initiation at a downstream codon. However, loss-of-function has yet to be established as a mechanism of disease. Four of four in-silico tools predict a damaging effect of the variant on protein function. The variant allele was found at a frequency of 0.001 in 1546240 control chromosomes. This frequency is not significantly higher than estimated for a pathogenic variant in FAM149B1 causing Joubert Syndrome 36, allowing no conclusion about variant significance. To our knowledge, no occurrence of c.2T>G in individuals affected with Joubert Syndrome 36 and no experimental evidence demonstrating its impact on protein function have been reported. ClinVar contains an entry for this variant (Variation ID: 3148839). Based on the evidence outlined above, the variant was classified as uncertain significance.

Kasturba Medical College, Manipal, Kasturba Medical College, Manipal, Manipal Academy of Higher Education, Manipal, India
Classification: Uncertain significance for Joubert syndrome 36. Review status: criteria provided, single submitter. Criteria: ACMG Guidelines, 2015. Collection method: clinical testing. Allele origin: biparental. Inheritance: Autosomal recessive inheritance. Affected: yes. Observed: 1 homozygote.